The following is an entry in ClinVar:

ClinVar aggregate classification (germline): Conflicting classifications of pathogenicity. Review status: criteria provided, conflicting classifications (1 of 4 stars). 8 submissions from 8 submitters: Pathogenic (1); Likely pathogenic (1); Uncertain significance (3). 3 of the submissions do not count toward it. Last evaluated 2025-12-22.

Conditions:
Cardiovascular phenotype. Identifiers: MedGen CN230736.
Charcot-Marie-Tooth disease type 2. Also called: Charcot-Marie-Tooth type 2. Identifiers: Orphanet 64746, MedGen C0270914, MONDO:0018993.
Cardiomyopathy (CMYO). Also called: Cardiomyopathies. Identifiers: Orphanet 167848, MedGen C0878544, MONDO:0004994, HP:0001638. Inheritance: Various modes of inheritance.
Primary dilated cardiomyopathy (DCM). Also called: Dilated Cardiomyopathy. Identifiers: Orphanet 217604, MedGen C0007193, MeSH D002311, MONDO:0005021, HP:0001644. Inheritance: Various modes of inheritance.

Allele frequency attached by ClinVar (database versions not stated): gnomAD exomes 0.00001 and 0.00002.
gnomAD v4.1: 23 of 1,595,634 alleles (0.0014%); highest among the groups gnomAD compares: Non-Finnish European, 0.002%; no homozygotes.

Submissions (8):

Ambry Genetics
Classification: Likely pathogenic for Cardiovascular phenotype. Last evaluated: 2025-12-22. Review status: criteria provided, single submitter. Criteria: Ambry Variant Classification Scheme 2023. Collection method: clinical testing. Allele origin: germline.
Comment: The p.T528M variant (also known as c.1583C>T), located in coding exon 9 of the LMNA gene, results from a C to T substitution at nucleotide position 1583. The threonine at codon 528 is replaced by methionine, an amino acid with similar properties. This alteration has been reported in individuals with features consistent with laminopathies, including cardiac conduction disease, cardiomyopathy, and lipodystrophy (Saj M et al. Mol Diagn Ther, 2012 Apr;16:99-107; Akinci B et al. Metabolism, 2017 Jul;72:109-119; Neubauer J et al. Eur J Hum Genet, 2017 Apr;25:404-409; van Tienen FHJ et al. Eur J Hum Genet, 2019 Mar;27:389-399; Ara&uacute;jo-Vilar D et al. J Clin Med, 2021 Apr;10; Vasandani C et al. J Endocr Soc, 2022 Oct;6:bvac155). Additionally, this alteration has been identified in a case report of a proband who was compound heterozygous with an additional alteration in LMNA, who had classical symptoms of Hutchinson&ndash;Gilford progeria syndrome (Verstraeten VL et al. Hum Mol Genet, 2006 Aug;15:2509-22), as well as being identified as homozygous in individuals with features consistent with Hutchinson&ndash;Gilford progeria syndrome (Saadi A et al. Am J Med Genet A, 2023 Sep;191:2274-2289). Other alterations at the same codon, p.T528R (c.1583C>G) and p.T528K (c.1583C>A), have been detected in numerous individuals with laminopathies, including individuals with Emery Dreifuss muscular dystrophy (EDMD) (Vytopil M et al. J Med Genet, 2003 Dec;40:e132; Scharner J et al. Hum Mutat, 2011 Feb;32:152-67; Zhang L et al. Mol Med Rep, 2015 Oct;12:5065-71; Lee Y et al. J Clin Neurol, 2017 Oct;13:405-410; Sivitskaya LN et al. Acta Myol, 2017 Dec;36:207-212; Stehl&iacute;kov&aacute; K et al. Clin Genet, 2017 Mar;91:463-469; Peretto G et al. Ann Intern Med, 2019 Oct;171:458-463; Ben Yaou R et al. Brain Commun, 2021 Jul;3:fcab075). This amino acid position is highly conserved in available vertebrate species. In addition, this alteration is predicted to be deleterious by in silico analysis. Based on the supporting evidence, this variant is expected to be causative of laminopathies; however, its clinical significance for Hutchinson&ndash;Gilford progeria syndrome is unclear.

Color Diagnostics, LLC DBA Color Health
Classification: Uncertain significance for Cardiomyopathy. Last evaluated: 2025-11-20. Review status: criteria provided, single submitter. Criteria: ACMG Guidelines, 2015. Collection method: clinical testing. Allele origin: germline.
Comment: This missense variant replaces threonine with methionine at codon 528 of the lamin A/C proteins. Computational prediction tools indicate that this variant has a deleterious impact on protein structure and function. Functional studies have shown that this variant causes abnormal nuclei with aggregates (PMID: 22413764, 30420677), nuclear rupture and loss of compartmentalization (PMID: 21831885). However, clinical relevance of these observations is not clear. This variant has been reported in one individual affected with dilated cardiomyopathy (PMID: 30420677), in one individual affected with non-valvular atrial fibrillation (PMID: 22413764), and in one infant affected with sudden death (PMID: 28074886). It has also been reported in multiple individuals affected with familial partial lipodystrophy type 2 (PMID: 28641778, 33916827, 36397776). Additionally, this variant has been reported in compound heterozygous state with other variants in the LMNA gen, or homozygous, in individuals affected with Hutchinson-Gilford progeria syndrome (PMID: 16825282, 37387251), familial partial lipodystrophy (PMID: 15298354, 29078011), or mandibuloacral dysplasia with type A lipodystrophy (Xiang et al., 2014). Heterozygous carriers of this variant in these families were reported to be unaffected. This variant has been identified in 2/214466 chromosomes in the general population by the Genome Aggregation Database (gnomAD). While this variant has been observed in multiple individuals affected with laminopathy, the available evidence is insufficient to determine the role of this variant in autosomal dominant cardiomyopathy conclusively. Therefore, this variant is classified as a Variant of Uncertain Significance.

Labcorp Genetics (formerly Invitae), Labcorp
Classification: Pathogenic for Charcot-Marie-Tooth disease type 2. Last evaluated: 2025-05-06. Review status: criteria provided, single submitter. Criteria: Invitae Variant Classification Sherloc (09022015). Collection method: clinical testing. Allele origin: germline.
Comment: This sequence change replaces threonine, which is neutral and polar, with methionine, which is neutral and non-polar, at codon 528 of the LMNA protein (p.Thr528Met). The frequency data for this variant in the population databases is considered unreliable, as metrics indicate poor data quality at this position in the gnomAD database. This missense change has been observed in individuals with autosomal recessive Hutchinson–Gilford progeria syndrome (PMID: 16825282, 37387251). This variant has been reported in individual(s) with familial partial lipodystrophy (PMID: 28641778); however, the role of the variant in this condition is currently unclear. ClinVar contains an entry for this variant (Variation ID: 66851). Invitae Evidence Modeling of protein sequence and biophysical properties (such as structural, functional, and spatial information, amino acid conservation, physicochemical variation, residue mobility, and thermodynamic stability) indicates that this missense variant is expected to disrupt LMNA protein function with a positive predictive value of 95%. Experimental studies are conflicting or provide insufficient evidence to determine the effect of this variant on LMNA function (PMID: 22413764, 24623722, 26900797, 34862408). For these reasons, this variant has been classified as Pathogenic.

All of Us Research Program, National Institutes of Health
Classification: Uncertain significance for Primary dilated cardiomyopathy. Last evaluated: 2023-12-01. Review status: criteria provided, single submitter. Criteria: ACMG Guidelines, 2015. Collection method: clinical testing. Allele origin: germline. Inheritance: Autosomal dominant inheritance. Observed: 1 variant allele, 1 heterozygote.
Comment: This missense variant replaces threonine with methionine at codon 528 of the lamin A/C proteins. Computational prediction suggests that this variant may have deleterious impact on protein structure and function (internally defined REVEL score threshold >= 0.7, PMID: 27666373). Functional studies have shown that this variant causes abnormal nuclei with aggregates (PMID: 22413764), nuclear rupture and loss of compartmentalization (PMID: 21831885). However, clinical relevance of these observations is not clear. This variant has been reported in an individual affected with non-valvular atrial fibrillation (PMID: 22413764), as well as in an individual affected with familial partial lipodystrophy (PMID: 28641778). This variant has also been reported in compound heterozygous state with other variants in the LMNA gene in individuals affected with Hutchinson-Gilford progeria syndrome (PMID: 16825282), familial partial lipodystrophy (PMID: 15298354, 29078011), or mandibuloacral dysplasia with type A lipodystrophy (Xiang et al., 2014). Heterozygous carriers of this variant in these families were reported to be unaffected. This variant has been identified in 2/214466 chromosomes in the general population by the Genome Aggregation Database (gnomAD). While this variant has been observed in multiple individuals affected with laminopathy, the available evidence is insufficient to determine the role of this variant in autosomal dominant cardiomyopathy conclusively. Therefore, this variant is classified as a Variant of Uncertain Significance.

This study involves interpretation of variants in research participants for the purpose of population health screening. Participant phenotype was not available at the time of variant classification. Additional details can be found in publication PMID: 35346344, PMCID: PMC8962531

Eurofins Ntd Llc (ga)
Classification: Uncertain significance. Last evaluated: 2016-11-03. Review status: criteria provided, single submitter. Criteria: EGL Classification Definitions 2015. Collection method: clinical testing. Allele origin: germline. Observed: 1 variant allele, 1 heterozygote.

Diagnostic Laboratory, Department of Genetics, University Medical Center Groningen
Classification: Uncertain significance. Review status: no assertion criteria provided. Collection method: clinical testing. Allele origin: germline. Affected: yes. Study: VKGL Data-share Consensus. Not counted in ClinVar's aggregate classification.

Epithelial Biology;  Institute of Medical Biology, Singapore
No classification provided. Review status: no classification provided. Collection method: not provided. Allele origin: not provided. Not counted in ClinVar's aggregate classification.

Joint Genome Diagnostic Labs from Nijmegen and Maastricht, Radboudumc and MUMC+
Classification: Uncertain significance. Review status: no assertion criteria provided. Collection method: clinical testing. Allele origin: germline. Affected: yes. Study: VKGL Data-share Consensus. Not counted in ClinVar's aggregate classification.

Literature cited by the submitters: PubMed 15298354 (cited by 4 submitters); PubMed 16825282 (cited by 5 submitters); PubMed 22413764 (cited by 5 submitters); PubMed 22918509 (cited by Ambry Genetics); PubMed 28074886 (cited by Ambry Genetics and Color Diagnostics, LLC DBA Color Health); PubMed 28641778 (cited by 4 submitters); PubMed 30420677 (cited by Ambry Genetics and Color Diagnostics, LLC DBA Color Health); PubMed 33502018 (cited by Ambry Genetics); PubMed 33916827 (cited by Ambry Genetics and Color Diagnostics, LLC DBA Color Health); PubMed 36397776 (cited by Ambry Genetics and Color Diagnostics, LLC DBA Color Health); PubMed 37387251 (cited by 3 submitters); PubMed 21831885 (cited by 3 submitters); PubMed 29078011 (cited by Color Diagnostics, LLC DBA Color Health and All of Us Research Program, National Institutes of Health); PubMed 24623722 (cited by Labcorp Genetics (formerly Invitae), Labcorp); PubMed 26900797 (cited by Labcorp Genetics (formerly Invitae), Labcorp); PubMed 34862408 (cited by Labcorp Genetics (formerly Invitae), Labcorp); PubMed 24375749 (cited by Eurofins Ntd Llc (ga)).

NM_170707.4(LMNA):c.1583C>T (p.Thr528Met)

Gene: LMNA (lamin A/C; plus strand). Cytogenetic location: 1q22.
Variant type: single nucleotide variant.
Coding change: c.1583C>T on transcript NM_170707.4 (MANE Select); coding-DNA position 1583, C replaced by T.
Protein change: p.Thr528Met; replaces threonine 528 with methionine.
Molecular consequence: missense variant.
Genome position (GRCh38, 1-based): chr1:156,137,207, C>T. VCF-style: chr1-156137207-C-T. GRCh37 (hg19) VCF-style: chr1-156106998-C-T.
Other names: c.1247C>T, p.Thr416Met (NM_001257374.3); c.1340C>T, p.Thr447Met (NM_001282624.2); c.1583C>T, p.Thr528Met (NM_001282625.2, NM_001282626.2, NM_005572.4 and 1 more transcripts); short protein forms T528M, T416M, T447M.
Identifiers: ClinVar variation 66851 (VCV000066851.21), dbSNP rs57629361, ClinGen allele CA017516.
Genomic context (GRCh38, chr1:156,137,207, plus strand): 5'-CCCCTACCGACCTGGTGTGGAAGGCACAGAACACCTGGGGCTGCGGGAACAGCCTGCGTA[C>T]GGCTCTCATCAACTCCACTGGGGAAGTAAGTAGGCCTGGGCCTGGCTGCTTGCTGGACGA-3'
Protein context (NP_733821.1, residues 518-538): NTWGCGNSLR[Thr528Met]ALINSTGEEV